The following is an entry in ClinVar:

NM_020988.3(GNAO1):c.641A>G (p.His214Arg)

Gene: GNAO1 (G protein subunit alpha o1; plus strand). Cytogenetic location: 16q13.
Variant type: single nucleotide variant.
Coding change: c.641A>G on transcript NM_020988.3 (MANE Select); coding-DNA position 641, A replaced by G.
Protein change: p.His214Arg; replaces histidine 214 with arginine.
Molecular consequence: missense variant.
Genome position (GRCh38, 1-based): chr16:56,336,778, A>G. VCF-style: chr16-56336778-A-G. GRCh37 (hg19) VCF-style: chr16-56370690-A-G.
Other names: c.641A>G, p.His214Arg (NM_138736.3); short protein forms H214R.
Identifiers: ClinVar variation 3383693 (VCV003383693.1).

ClinVar aggregate classification (germline): Uncertain significance (1 of 4 stars; one submission).

Submission:

GeneDx
Classification: Uncertain significance. Last evaluated: 2024-05-29. Review status: criteria provided, single submitter. Criteria: GeneDx Variant Classification Process June 2021. Collection method: clinical testing. Allele origin: germline. Affected: yes.
Comment: Not observed at significant frequency in large population cohorts (gnomAD); In silico analysis supports that this missense variant has a deleterious effect on protein structure/function; Has not been previously published as pathogenic or benign to our knowledge